The following is an entry in ClinVar:

NM_000046.5(ARSB):c.29C>T (p.Pro10Leu)

Genes: ARSB (arylsulfatase B; minus strand), LOC129994126 (ATAC-STARR-seq lymphoblastoid silent region 16127; plus strand). Cytogenetic location: 5q14.1.
Variant type: single nucleotide variant.
Coding change: c.29C>T on transcript NM_000046.5 (MANE Select); coding-DNA position 29, C replaced by T.
Protein change: p.Pro10Leu; replaces proline 10 with leucine.
Molecular consequence: missense variant.
Genome position (GRCh38, 1-based): chr5:78,985,220, G>A on the plus strand (C>T on the coding strand, the complement: ARSB is on the minus strand). VCF-style: chr5-78985220-G-A. GRCh37 (hg19) VCF-style: chr5-78281043-G-A.
Other names: c.29C>T, p.Pro10Leu (NM_198709.3); c.29C>T (NM_000046.3); short protein forms P10L.
Identifiers: ClinVar variation 1499576 (VCV001499576.9), dbSNP rs757310157, ClinGen allele CA3318374.
Genomic context (GRCh38, chr5:78,985,220, plus strand): 5'-AGCAGCAGCAGCAGCGGGAGGACGACGGGGAGGAGCAGCCGCCGAGGTCCGGGGCCTCGG[G>A]GCAAGCTCGCCGCGCCGCGCGGACCCATCCTTGTCCGCCCGCGGTCCCAGCGCCTGTGGC-3'
Protein context (NP_000037.2, residues 1-20): MGPRGAASL[Pro10Leu]RGPGPRRLLL

ClinVar aggregate classification (germline): Uncertain significance. Review status: criteria provided, multiple submitters, no conflicts (2 of 4 stars). 4 submissions from 4 submitters: Uncertain significance (4). Last evaluated 2026-07-14.

Conditions:
Inborn genetic diseases. Identifiers: MedGen C0950123, MeSH D030342.
Mucopolysaccharidosis type 6 (MPS6). Also called: ARSB DEFICIENCY; ARYLSULFATASE B DEFICIENCY; MPS 6; Maroteaux Lamy syndrome; MPS VI; N-ACETYLGALACTOSAMINE-4-SULFATASE DEFICIENCY. Identifiers: Orphanet 583, MedGen C0026709, MONDO:0009661, OMIM 253200.
ARSB-related disorder. Also called: ARSB-related condition.

Allele frequency attached by ClinVar (database versions not stated): gnomAD 0.00003; gnomAD exomes 0.00003; TOPMed 0.00003.
gnomAD v4.1: 39 of 1,339,156 alleles (0.0029%); highest among the groups gnomAD compares: Middle Eastern, 0.027%; no homozygotes.

Submissions (4):

PreventionGenetics, part of Exact Sciences
Classification: Uncertain significance for ARSB-related condition. Last evaluated: 2026-07-14. Review status: criteria provided, single submitter. Criteria: ACMG Guidelines, 2015. Collection method: clinical testing. Allele origin: germline.
Comment: The ARSB c.29C>T variant is predicted to result in the amino acid substitution p.Pro10Leu. To our knowledge, this variant has not been reported in the literature. This variant is reported in 0.0% of alleles in individuals of African descent in gnomAD. At this time, the clinical significance of this variant is uncertain due to the absence of conclusive functional and genetic evidence.

Labcorp Genetics (formerly Invitae), Labcorp
Classification: Uncertain significance for Mucopolysaccharidosis type 6. Last evaluated: 2026-01-12. Review status: criteria provided, single submitter. Criteria: Invitae Variant Classification Sherloc (09022015). Collection method: clinical testing. Allele origin: germline.
Comment: This sequence change replaces proline, which is neutral and non-polar, with leucine, which is neutral and non-polar, at codon 10 of the ARSB protein (p.Pro10Leu). This variant is not present in population databases (gnomAD no frequency). This variant has not been reported in the literature in individuals affected with ARSB-related conditions. ClinVar contains an entry for this variant (Variation ID: 1499576). An algorithm developed to predict the effect of missense changes on protein structure and function outputs the following: PolyPhen-2: "Not Available". The leucine amino acid residue is found in multiple mammalian species, which suggests that this missense change does not adversely affect protein function. In summary, the available evidence is currently insufficient to determine the role of this variant in disease. Therefore, it has been classified as a Variant of Uncertain Significance.

Ambry Genetics
Classification: Uncertain significance for Inborn genetic diseases. Last evaluated: 2025-08-01. Review status: criteria provided, single submitter. Criteria: Ambry Variant Classification Scheme 2023. Collection method: clinical testing. Allele origin: germline.

Laboratorio de Genetica e Diagnostico Molecular, Hospital Israelita Albert Einstein
Classification: Uncertain significance. Last evaluated: 2019-11-01. Review status: criteria provided, single submitter. Criteria: ACMG Guidelines, 2015. Collection method: clinical testing. Allele origin: germline. Affected: yes.
Comment: ACMG classification criteria: PM2, BP4